The following is an entry in ClinVar:

ClinVar aggregate classification (germline): Uncertain significance (1 of 4 stars; one submission).

Conditions:
Malignant hyperthermia, susceptibility to, 1 (MHS1). Also called: RYR1-Related Malignant Hyperthermia Susceptibility; Malignant hyperthermia suceptibility 1; Anesthesia related hyperthermia; Malignant hyperpyrexia; Fulminating hyperpyrexia; Pharmacogenic myopathy. Identifiers: Orphanet 423, MedGen C2930980, MONDO:0007783, OMIM 145600.

Submission:

Color Diagnostics, LLC DBA Color Health
Classification: Uncertain significance for Malignant hyperthermia, susceptibility to, 1. Last evaluated: 2025-08-26. Review status: criteria provided, single submitter. Criteria: ACMG Guidelines, 2015. Collection method: clinical testing. Allele origin: germline.
Comment: This variant results in the in-frame deletion of three nucleotides and one amino acid in the RYR1 protein. To our knowledge, functional studies have not been reported for this variant. This variant has not been reported in individuals affected with RYR1-related disorders in the literature. This variant has not been identified in the general population by the Genome Aggregation Database (gnomAD). The available evidence is insufficient to determine the role of this variant in disease conclusively. Therefore, this variant is classified as a Variant of Uncertain Significance.

NM_000540.3(RYR1):c.10394ACA[1] (p.Asn3466del)

Gene: RYR1 (ryanodine receptor 1; plus strand). Cytogenetic location: 19q13.2.
Variant type: Microsatellite.
Coding change: c.10394ACA[1] on transcript NM_000540.3 (MANE Select); one copy of the 3-base unit ACA starting at c.10394; the reference has two copies in a row; one copy, 3 bases deleted; also written c.10397_10399del.
Protein change: p.Asn3466del; deletes asparagine 3466.
Genome position (GRCh38, 1-based): chr19:38,523,266-38,523,268, ACA deleted; deleting any 3 consecutive bases within chr19:38,523,261-38,523,268 gives the same sequence; the position shown is the placement nearest the transcript's 3' end. VCF-style (leftmost placement, unchanged base first): chr19-38523260-TCAA-T. GRCh37 (hg19) VCF-style: chr19-39013900-TCAA-T.
Other names: c.10394ACA[1], p.Asn3466del (NM_001042723.2); c.10397_10399del (NM_000540.3); short protein forms N3466del.
Identifiers: ClinVar variation 4758500 (VCV004758500.1).